The following is an entry in ClinVar:

NM_016151.4(TAOK2):c.1084T>G (p.Ser362Ala)

Gene: TAOK2 (TAO kinase 2; plus strand). Cytogenetic location: 16p11.2.
Variant type: single nucleotide variant.
Coding change: c.1084T>G on transcript NM_016151.4 (MANE Select); coding-DNA position 1084, T replaced by G.
Protein change: p.Ser362Ala; replaces serine 362 with alanine.
Molecular consequence: missense variant.
Genome position (GRCh38, 1-based): chr16:29,983,156, T>G. VCF-style: chr16-29983156-T-G. GRCh37 (hg19) VCF-style: chr16-29994477-T-G.
Other names: c.1084T>G, p.Ser362Ala (NM_001252043.2, NM_004783.4); short protein forms S362A.
Identifiers: ClinVar variation 2778152 (VCV002778152.3), dbSNP rs2543635560, ClinGen allele CA395479731.

ClinVar aggregate classification (germline): Uncertain significance (1 of 4 stars; one submission).

Submission:

Labcorp Genetics (formerly Invitae), Labcorp
Classification: Uncertain significance. Last evaluated: 2024-08-13. Review status: criteria provided, single submitter. Criteria: Invitae Variant Classification Sherloc (09022015). Collection method: clinical testing. Allele origin: germline.
Comment: This sequence change replaces serine, which is neutral and polar, with alanine, which is neutral and non-polar, at codon 362 of the TAOK2 protein (p.Ser362Ala). This variant is not present in population databases (gnomAD no frequency). This variant has not been reported in the literature in individuals affected with TAOK2-related conditions. An algorithm developed to predict the effect of missense changes on protein structure and function (PolyPhen-2) suggests that this variant is likely to be disruptive. In summary, the available evidence is currently insufficient to determine the role of this variant in disease. Therefore, it has been classified as a Variant of Uncertain Significance.